The following is an entry in ClinVar:

ClinVar aggregate classification (germline): Uncertain significance (1 of 4 stars; one submission).

Conditions:
Ehlers-Danlos syndrome, classic type, 1 (EDSCL1). Also called: Ehlers-Danlos Syndrome, Classic Type, COL5A1-Related; EDS I; EHLERS-DANLOS SYNDROME, GRAVIS TYPE; EHLERS-DANLOS SYNDROME, SEVERE CLASSIC TYPE; Ehlers-Danlos syndrome, type 1. Identifiers: MedGen C0268335, MONDO:0019567, OMIM 130000.

Submission:

Labcorp Genetics (formerly Invitae), Labcorp
Classification: Uncertain significance for Ehlers-Danlos syndrome, classic type, 1. Last evaluated: 2025-07-06. Review status: criteria provided, single submitter. Criteria: Invitae Variant Classification Sherloc (09022015). Collection method: clinical testing. Allele origin: germline.
Comment: This sequence change replaces aspartic acid, which is acidic and polar, with glycine, which is neutral and non-polar, at codon 1761 of the COL5A1 protein (p.Asp1761Gly). This variant is not present in population databases (gnomAD no frequency). This variant has not been reported in the literature in individuals affected with COL5A1-related conditions. Invitae Evidence Modeling of protein sequence and biophysical properties (such as structural, functional, and spatial information, amino acid conservation, physicochemical variation, residue mobility, and thermodynamic stability) indicates that this missense variant is not expected to disrupt COL5A1 protein function with a negative predictive value of 95%. In summary, the available evidence is currently insufficient to determine the role of this variant in disease. Therefore, it has been classified as a Variant of Uncertain Significance.

NM_000093.5(COL5A1):c.5282A>G (p.Asp1761Gly)

Genes: COL5A1 (collagen type V alpha 1 chain; plus strand), LOC101448202 (uncharacterized LOC101448202; minus strand). Cytogenetic location: 9q34.3.
Variant type: single nucleotide variant.
Coding change: c.5282A>G on transcript NM_000093.5 (MANE Select); coding-DNA position 5282, A replaced by G.
Protein change: p.Asp1761Gly; replaces aspartic acid 1761 with glycine.
Molecular consequence: missense variant.
Genome position (GRCh38, 1-based): chr9:134,835,116, A>G. VCF-style: chr9-134835116-A-G. GRCh37 (hg19) VCF-style: chr9-137726962-A-G.
Other names: c.5282A>G, p.Asp1761Gly (NM_001278074.1); short protein forms D1761G.
Identifiers: ClinVar variation 4807250 (VCV004807250.1).